The following is an entry in ClinVar:

GRCh37/hg19 17p11.2(chr17:16761814-20330062)x3

Genes: MAPK7 (mitogen-activated protein kinase 7; plus strand), MED9 (mediator complex subunit 9; plus strand), MFAP4 (microfibril associated protein 4; minus strand), MIEF2 (mitochondrial elongation factor 2; plus strand), AKAP10 (A-kinase anchoring protein 10; minus strand) and 44 more. Cytogenetic location: 17p11.2.
Variant type: copy number gain.
Change: copy number 3 (three copies instead of two) of chr17:16,761,814-20,330,062 (3.57 Mb, GRCh37 coordinates, 1-based), cytogenetic band 17p11.2.
Identifiers: ClinVar variation 980114 (VCV000980114.3).

ClinVar aggregate classification (germline): Pathogenic (1 of 4 stars; one submission).

Submission:

Quest Diagnostics Nichols Institute San Juan Capistrano
Classification: Pathogenic. Last evaluated: 2024-04-27. Review status: criteria provided, single submitter. Criteria: ACMG/ClinGen CNV Guidelines, 2019. Collection method: clinical testing. Allele origin: unknown.
Comment: This gain involves numerous protein-coding genes, including RAI1 (OMIM 607642), and is consistent with Potocki-Lupski syndrome (OMIM 610883; Potocki 2017, Zhang 2010). Thus, based on current literature and gene content, this copy number variant is classified as pathogenic. References: Potocki et al., GeneReviews [2017 Aug 24]. PMID: 28837307; Zhang et al., Am J Hum Genet. 2010 Mar 12;86(3):462-70. PMID: 20188345